The following is an entry in ClinVar:

ClinVar aggregate classification (germline): Uncertain significance (1 of 4 stars; one submission).

Conditions:
Nemaline myopathy 6 (NEM6). Also called: Nemaline myopathy 6, autosomal dominant. Identifiers: Orphanet 171439, MedGen C1836472, MONDO:0012237, OMIM 609273.

Submission:

Labcorp Genetics (formerly Invitae), Labcorp
Classification: Uncertain significance for Nemaline myopathy 6. Last evaluated: 2025-10-25. Review status: criteria provided, single submitter. Criteria: Invitae Variant Classification Sherloc (09022015). Collection method: clinical testing. Allele origin: germline.
Comment: This sequence change replaces phenylalanine, which is neutral and non-polar, with leucine, which is neutral and non-polar, at codon 169 of the KBTBD13 protein (p.Phe169Leu). This variant is not present in population databases (gnomAD no frequency). This variant has not been reported in the literature in individuals affected with KBTBD13-related conditions. Invitae Evidence Modeling of protein sequence and biophysical properties (such as structural, functional, and spatial information, amino acid conservation, physicochemical variation, residue mobility, and thermodynamic stability) indicates that this missense variant is not expected to disrupt KBTBD13 protein function with a negative predictive value of 80%. In summary, the available evidence is currently insufficient to determine the role of this variant in disease. Therefore, it has been classified as a Variant of Uncertain Significance.

NM_001101362.3(KBTBD13):c.505T>C (p.Phe169Leu)

Gene: KBTBD13 (kelch repeat and BTB domain containing 13; plus strand). Cytogenetic location: 15q22.31.
Variant type: single nucleotide variant.
Coding change: c.505T>C on transcript NM_001101362.3 (MANE Select); coding-DNA position 505, T replaced by C.
Protein change: p.Phe169Leu; replaces phenylalanine 169 with leucine.
Molecular consequence: missense variant.
Genome position (GRCh38, 1-based): chr15:65,077,320, T>C. VCF-style: chr15-65077320-T-C. GRCh37 (hg19) VCF-style: chr15-65369658-T-C.
Other names: short protein forms F169L.
Identifiers: ClinVar variation 4744994 (VCV004744994.1).